The following continues an entry in ClinVar:

NM_000051.4(ATM):c.5753G>C (p.Arg1918Thr)

Gene: ATM. ClinVar aggregate classification (germline): Conflicting classifications of pathogenicity. Uncertain significance (17); Benign (1); Likely benign (3).

Submissions 12 to 26 of 26:

KCCC/NGS Laboratory, Kuwait Cancer Control Center
Classification: Uncertain significance for Familial cancer of breast. Last evaluated: 2024-11-03. Review status: criteria provided, single submitter. Criteria: ACMG Guidelines, 2015. Collection method: clinical testing. Allele origin: germline. Inheritance: Autosomal dominant inheritance. Affected: yes. Observed: 1 heterozygote.
Comment: This missense variant replaces arginine with threonine at codon 1918 of the ATM protein. Computational prediction suggests that this variant may not impact protein structure and function. This variant has been reported in individuals affected with breast cancer (PMID: 20305132, 28779002, 30303537, 32658311, 33471991), melanoma (PMID: 31382929), pancreatic cancer (PMID: 32255556), non-Hodgkin lymphoma (PMID: 17640065), and individuals with personal and/or family history of colorectal cancer or polyposis (PMID: 25938944). However it has also been observed in healthy controls (PMID: 33471991). This variant has been identified in 15/250990 chromosomes in the general population by the Genome Aggregation Database (gnomAD). The available evidence is insufficient to determine the role of this variant in disease conclusively. Therefore, this variant is classified as a Variant of Uncertain Significance. Pathogenic/likely pathogenic mutations in the ATM gene cause susceptibility to breast cancer (OMIM 114480).

CeGaT Center for Human Genetics Tuebingen
Classification: Likely benign. Last evaluated: 2024-11-01. Review status: criteria provided, single submitter. Criteria: CeGaT Center For Human Genetics Tuebingen Variant Classification Criteria Version 2. Collection method: clinical testing. Allele origin: germline. Affected: yes. Observed: 3 variant alleles.
Comment: ATM: BP4

Blueprint Genetics
Classification: Uncertain significance. Last evaluated: 2024-09-25. Review status: criteria provided, single submitter. Criteria: ACMG Guidelines, 2015. Collection method: clinical testing. Allele origin: germline.

Molecular Pathology, Peter Maccallum Cancer Centre
Classification: Uncertain significance for Ataxia-telangiectasia syndrome. Last evaluated: 2024-05-01. Review status: criteria provided, single submitter. Criteria: ACMG Guidelines, 2015. Collection method: clinical testing. Allele origin: germline. Inheritance: Autosomal recessive inheritance.

Fulgent Genetics
Classification: Uncertain significance for Familial cancer of breast; Ataxia-telangiectasia syndrome. Last evaluated: 2024-02-07. Review status: criteria provided, single submitter. Criteria: ACMG Guidelines, 2015. Collection method: clinical testing. Allele origin: germline.

Baylor Genetics
Classification: Uncertain significance for Familial cancer of breast. Last evaluated: 2023-10-16. Review status: criteria provided, single submitter. Criteria: ACMG Guidelines, 2015. Collection method: clinical testing. Allele origin: unknown.

Institute for Biomarker Research, Medical Diagnostic Laboratories, L.L.C.
Classification: Uncertain significance for Hereditary cancer-predisposing syndrome. Last evaluated: 2023-06-15. Review status: criteria provided, single submitter. Criteria: ACMG Guidelines, 2015. Collection method: clinical testing. Allele origin: germline.

Sema4
Classification: Uncertain significance for Hereditary cancer-predisposing syndrome. Last evaluated: 2022-01-07. Review status: criteria provided, single submitter. Criteria: Sema4 Curation Guidelines. Collection method: curation. Allele origin: germline.
Comment: The ATM c.5753G>C (p.R1918T) variant has been reported in at least 8 individuals with breast cancer, pancreatic cancer, cutaneous malignant melanoma and non-Hodgkin lymphoma (PMID: 30303537, 32255556, 25938944, 20305132, 17640065, 32658311, 28652578, 28779002, 31382929). It was observed in 11/113530 chromosomes in the European (non-Finnish) subpopulation in the Genome Aggregation Database (PMID: 32461654). This variant has been reported in ClinVar (Variation ID: 142535). Functional studies have not been performed, and in silico predictions of the variant's effect on protein function are inconclusive. The evidence is insufficient to meet ACMG/AMP criteria for classifying the variant as benign or pathogenic. Thus, the clinical significance of this variant is currently uncertain.

Mendelics
Classification: Uncertain significance for Ataxia-telangiectasia syndrome. Last evaluated: 2018-07-02. Review status: criteria provided, single submitter. Criteria: Mendelics Assertion Criteria 2017. Collection method: clinical testing. Allele origin: unknown.

Dipartimento Di Medicina Di Precisione, Università Degli Studi Della Campania Luigi Vanvitelli
Classification: Likely benign for Breast-ovarian cancer, familial, susceptibility to, 2. Review status: criteria provided, single submitter. Criteria: ACMG Guidelines, 2015. Collection method: clinical testing. Allele origin: germline. Inheritance: Autosomal dominant inheritance. Affected: no. Observed: 1 heterozygote.
Comment: The missense variant c.5753G>C (p.Arg1918Pro) in ATM, located in exon 39, results in the substitution of a conserved arginine residue. This variant was initially classified as a Variant of Uncertain Significance (VUS). However, in silico prediction tools (e.g., REVEL, CADD, PolyPhen-2) suggest a tolerated or benign effect on protein function. Additionally, the variant is rare in population databases and no strong evidence of pathogenicity has been reported in the literature. According to ACMG/AMP guidelines (BP4, BS1), this variant has been reclassified as likely benign.

PreventionGenetics, part of Exact Sciences
Classification: Uncertain significance for ATM-related condition. Last evaluated: 2024-09-04. Review status: no assertion criteria provided. Collection method: clinical testing. Allele origin: germline. Not counted in ClinVar's aggregate classification.
Comment: The ATM c.5753G>C variant is predicted to result in the amino acid substitution p.Arg1918Thr. This variant has been reported in individuals with breast cancer, pancreatic cancer, colonic adenomas, colorectal cancer, melanoma, non-Hodgkin lymphoma, and chronic lymphocytic leukemia (Table 2, Sipahimalani et al. 2007. PubMed ID: 17640065; Table S2, Bernstein et al. 2010. PubMed ID: 20305132; Table 4, Weren et al. 2015. PubMed ID: 25938944; Table S5, Decker et al. 2017. PubMed ID: 28779002; Table S6, Tiao et al. 2017. PubMed ID: 28652578; Table S3, Girard et al. 2019. PubMed ID: 30303537; Table S1, Casula et al. 2019. PubMed ID: 31382929; Table S6, Akcay et al. 2020. PubMed ID: 32658311; Table S3, Cremin et al. 2020. PubMed ID: 32255556). It has also been reported in control individuals from a chronic lymphocytic leukemia cohort study (Table S6, Tiao et al. 2017. PubMed ID: 28652578). This variant is reported in 0.0097% of alleles in individuals of European (Non-Finnish) descent in gnomAD. It is interpreted as uncertain significance by the vast majority of submitters in ClinVar. At this time, the clinical significance of this variant is uncertain due to the absence of conclusive functional and genetic evidence.

Natera, Inc.
Classification: Uncertain significance for Ataxia-telangiectasia. Last evaluated: 2020-09-16. Review status: no assertion criteria provided. Collection method: clinical testing. Allele origin: germline. Not counted in ClinVar's aggregate classification.

Department of Pathology and Laboratory Medicine, Sinai Health System
Classification: Uncertain significance. Review status: no assertion criteria provided. Collection method: clinical testing. Allele origin: unknown. Affected: yes. Study: The Canadian Open Genetics Repository (COGR). Not counted in ClinVar's aggregate classification.
Comment: The ATM p.Arg1918Thr variant was identified in 3 of 4478 proband chromosomes (frequency: 0.0007) from individuals or families with non-Hodgkin lymphoma, breast cancer, and colonic adenoma (Sipahimalani 2007, Bernstein 2010, Weren 2015). The variant was also identified in dbSNP (ID: rs148064985) as "With Uncertain significance allele", ClinVar (5x uncertain significance) and Clinvitae. The variant was not identified in COGR, Cosmic, MutDB, LOVD 3.0, or the ATM-LOVD database. The variant was identified in control databases in 16 of 245800 chromosomes at a frequency of 0.00007 (Genome Aggregation Database Feb 27, 2017). It was observed in the following populations: â€šÃ„ÃºOtherâ€šÃ„Ã¹ in 1 of 5464 chromosomes (freq: 0.0002), Latino in 3 of 33534 chromosomes (freq: 0.00009), and European in 12 of 111494 chromosomes (freq: 0.0001); it was not observed in the African, Ashkenazi Jewish, East Asian, Finnish, or South Asian populations. The p.Arg1918 residue is conserved in mammals but not in more distantly related organisms. However four out of five computational analyses (PolyPhen-2, SIFT, AlignGVGD, BLOSUM, MutationTaster) do not suggest a high likelihood of impact to the protein; this information is not predictive enough to rule out pathogenicity. The variant occurs outside of the splicing consensus sequence and 1 of 5 in silico or computational prediction software programs (SpliceSiteFinder, MaxEntScan, NNSPLICE, GeneSplicer, HumanSpliceFinder) predict a greater than 10% difference in splicing; this is not very predictive of pathogenicity. In summary, based on the above information the clinical significance of this variant cannot be determined with certainty at this time. This variant is classified as a variant of uncertain significance.

Diagnostic Laboratory, Department of Genetics, University Medical Center Groningen
Classification: Uncertain significance. Review status: no assertion criteria provided. Collection method: clinical testing. Allele origin: germline. Affected: yes. Study: VKGL Data-share Consensus. Not counted in ClinVar's aggregate classification.

Joint Genome Diagnostic Labs from Nijmegen and Maastricht, Radboudumc and MUMC+
Classification: Uncertain significance. Review status: no assertion criteria provided. Collection method: clinical testing. Allele origin: germline. Affected: yes. Study: VKGL Data-share Consensus. Not counted in ClinVar's aggregate classification.

Literature cited by the submitters: PubMed 17640065 (cited by 6 submitters); PubMed 20305132 (cited by 7 submitters); PubMed 30303537 (cited by 6 submitters); PubMed 25938944 (cited by 5 submitters); PubMed 32658311 (cited by 5 submitters); PubMed 32255556 (cited by 6 submitters); PubMed 33606809 (cited by 5 submitters); PubMed 38308423 (cited by Women's Health and Genetics/Laboratory Corporation of America, LabCorp); PubMed 40649708 (cited by Women's Health and Genetics/Laboratory Corporation of America, LabCorp); PubMed 33471991 (cited by 3 submitters); PubMed 28779002 (cited by 5 submitters); PubMed 28652578 (cited by 3 submitters); PubMed 39015540 (cited by Quest Diagnostics Nichols Institute San Juan Capistrano and Athena Diagnostics); PubMed 31382929 (cited by 4 submitters); PubMed 36717774 (cited by 3 submitters); DOI 10.1515/cclm-2012-0154 (cited by Dipartimento Di Medicina Di Precisione, Università Degli Studi Della Campania Luigi Vanvitelli).